The following is an entry in ClinVar:

ClinVar aggregate classification (germline): Pathogenic (1 of 4 stars; one submission).

Submission:

Labcorp Genetics (formerly Invitae), Labcorp
Classification: Pathogenic. Last evaluated: 2022-08-06. Review status: criteria provided, single submitter. Criteria: Invitae Variant Classification Sherloc (09022015). Collection method: clinical testing. Allele origin: germline.
Comment: This variant is a gross deletion of the genomic region encompassing exon(s) 1 of the KCNV2 gene, which includes the initiator codon. This deletion extends beyond the assayed region for this gene and therefore may encompass additional genes. It is expected to result in an absent or disrupted protein product. Loss-of-function variants in KCNV2 are known to be pathogenic (PMID: 16909397, 18235024). A similar copy number variant has been observed in individual(s) with KCNV2-related conditions (PMID: 33309813). For these reasons, this variant has been classified as Pathogenic.

Literature cited by the submitters: PubMed 16909397; PubMed 18235024; PubMed 33309813.

NC_000009.11:g.(?_2717738)_(2719115_?)del

Gene: KCNV2 (potassium voltage-gated channel modifier subfamily V member 2; plus strand). Cytogenetic location: 9p24.2.
Variant type: Deletion.
Identifiers: ClinVar variation 2427220 (VCV002427220.2).